The following is an entry in ClinVar:

NM_170606.3(KMT2C):c.12442C>T (p.Pro4148Ser)

Gene: KMT2C (lysine methyltransferase 2C; minus strand). Cytogenetic location: 7q36.1.
Variant type: single nucleotide variant.
Coding change: c.12442C>T on transcript NM_170606.3 (MANE Select); coding-DNA position 12442, C replaced by T.
Protein change: p.Pro4148Ser; replaces proline 4148 with serine.
Molecular consequence: missense variant.
Genome position (GRCh38, 1-based): chr7:152,152,789, G>A on the plus strand (C>T on the coding strand, the complement: KMT2C is on the minus strand). VCF-style: chr7-152152789-G-A. GRCh37 (hg19) VCF-style: chr7-151849874-G-A.
Other names: short protein forms P4148S.
Identifiers: ClinVar variation 3364506 (VCV003364506.1).

ClinVar aggregate classification (germline): Uncertain significance (1 of 4 stars; one submission).

Submission:

GeneDx
Classification: Uncertain significance. Last evaluated: 2023-11-15. Review status: criteria provided, single submitter. Criteria: GeneDx Variant Classification Process June 2021. Collection method: clinical testing. Allele origin: germline. Affected: yes.
Comment: Not observed at significant frequency in large population cohorts (gnomAD); In silico analysis supports that this missense variant has a deleterious effect on protein structure/function; Has not been previously published as pathogenic or benign to our knowledge